The following is an entry in ClinVar:

NM_017841.4(SDHAF2):c.391A>G (p.Ile131Val)

Gene: SDHAF2 (succinate dehydrogenase complex assembly factor 2; plus strand). Cytogenetic location: 11q12.2.
Variant type: single nucleotide variant.
Coding change: c.391A>G on transcript NM_017841.4 (MANE Select); coding-DNA position 391, A replaced by G.
Protein change: p.Ile131Val; replaces isoleucine 131 with valine.
Molecular consequence: missense variant.
Genome position (GRCh38, 1-based): chr11:61,445,961, A>G. VCF-style: chr11-61445961-A-G. GRCh37 (hg19) VCF-style: chr11-61213433-A-G.
Other names: short protein forms I131V.
Identifiers: ClinVar variation 3793574 (VCV003793574.1).
Genomic context (GRCh38, chr11:61,445,961, plus strand): 5'-GACTATGGCATAATTTTTTCTGCCCACTCTTCTCTTGCAGAAGCTAAACCAGCCCCAGAA[A>G]TATTTGAAAATGAAGTCATGGCCCTGCTGAGAGACTTTGCTAAAAACAAAAACAAAGAGC-3'
Protein context (NP_060311.1, residues 121-141): WATEAKPAPE[Ile131Val]FENEVMALLR

ClinVar aggregate classification (germline): Uncertain significance (1 of 4 stars; one submission).

Conditions:
Hereditary cancer-predisposing syndrome. Also called: Neoplastic Syndromes, Hereditary; Hereditary Cancer Syndrome; Tumor predisposition; Hereditary neoplastic syndrome. Identifiers: Orphanet 140162, MedGen C0027672, MeSH D009386, MONDO:0015356.

Submission:

Ambry Genetics
Classification: Uncertain significance for Hereditary cancer-predisposing syndrome. Last evaluated: 2025-02-09. Review status: criteria provided, single submitter. Criteria: Ambry Variant Classification Scheme 2023. Collection method: clinical testing. Allele origin: germline.
Comment: The p.I131V variant (also known as c.391A>G), located in coding exon 4 of the SDHAF2 gene, results from an A to G substitution at nucleotide position 391. The isoleucine at codon 131 is replaced by valine, an amino acid with highly similar properties. This amino acid position is conserved. In addition, this alteration is predicted to be tolerated by in silico analysis. Based on the available evidence, the clinical significance of this variant remains unclear.